The following is an entry in ClinVar:

ClinVar aggregate classification (germline): Conflicting classifications of pathogenicity. Review status: criteria provided, conflicting classifications (1 of 4 stars). 5 submissions from 5 submitters: Uncertain significance (4); Likely benign (1). Last evaluated 2025-11-18.

Conditions:
Long QT syndrome 8. Identifiers: MedGen CN260585, MONDO:0032756, OMIM 618447.
Cardiovascular phenotype. Identifiers: MedGen CN230736.
Catecholaminergic polymorphic ventricular tachycardia (CVPT). Also called: Catecholamine-induced polymorphic ventricular tachycardia. Identifiers: Orphanet 3286, MedGen C5574922, MONDO:0017990.
Long QT syndrome (LQTS). Identifiers: MedGen C0023976, MeSH D008133, MONDO:0002442. Disease mechanism: loss of function. Inheritance: Various modes of inheritance.

Allele frequency attached by ClinVar (database versions not stated): TOPMed 0.00003; gnomAD exomes 0.00009.
gnomAD v4.1: 130 of 1,518,952 alleles (0.0086%); highest among the groups gnomAD compares: Non-Finnish European, 0.011%; no homozygotes.

Submissions (5):

Labcorp Genetics (formerly Invitae), Labcorp
Classification: Uncertain significance for Long QT syndrome. Last evaluated: 2025-11-18. Review status: criteria provided, single submitter. Criteria: Invitae Variant Classification Sherloc (09022015). Collection method: clinical testing. Allele origin: germline.
Comment: This sequence change replaces alanine, which is neutral and non-polar, with glycine, which is neutral and non-polar, at codon 2039 of the CACNA1C protein (p.Ala2039Gly). This variant is present in population databases (rs549476254, gnomAD 0.02%). This missense change has been observed in individual(s) with CACNA1C-related conditions (PMID: 25633834, 30847666). ClinVar contains an entry for this variant (Variation ID: 197538). An algorithm developed to predict the effect of missense changes on protein structure and function (PolyPhen-2) suggests that this variant is likely to be disruptive. In summary, the available evidence is currently insufficient to determine the role of this variant in disease. Therefore, it has been classified as a Variant of Uncertain Significance.

Ambry Genetics
Classification: Likely benign for Cardiovascular phenotype. Last evaluated: 2022-09-27. Review status: criteria provided, single submitter. Criteria: Ambry Variant Classification Scheme 2023. Collection method: clinical testing. Allele origin: germline.

Victorian Clinical Genetics Services, Murdoch Childrens Research Institute
Classification: Uncertain significance for Long QT syndrome 8. Last evaluated: 2022-02-02. Review status: criteria provided, single submitter. Criteria: ACMG Guidelines, 2015. Collection method: clinical testing. Allele origin: germline. Inheritance: Autosomal dominant inheritance. Affected: yes.
Comment: Based on the classification scheme VCGS_Germline_v1.3.4, this variant is classified as VUS-3B. Following criteria are met: 0101 - Gain of function is a known mechanism of disease in this gene and is associated with Long QT syndrome 8 (MIM #618447), and Timothy syndrome (MIM#601005). Missense variants result in loss of channel inactivation, and increased current (OMIM, PMID: 25260352). (I) 0107 - This gene is associated with autosomal dominant disease. (I) 0200 - Variant is predicted to result in a missense amino acid change from alanine to glycine. (I) 0251 - This variant is heterozygous. (I) 0302 - Variant is present in gnomAD (v2) <0.001 for a dominant condition (12 heterozygotes, 0 homozygotes). (SP) 0309 - An alternative amino acid change at the same position has been observed in gnomAD (v3) (1 heterozygote, 0 homozygotes). (I) 0502 - Missense variant with conflicting in silico predictions and uninformative conservation. (I) 0600 - Variant is located in the annotated C-terminal domain (NCBI). (I) 0705 - No comparable missense variants have previous evidence for pathogenicity. (I) 0808 - Previous reports of pathogenicity for this variant are conflicting. This variant has been reported multiple times as a VUS in individuals with long QT or polymorphic catecholergic ventricular tachycardia (ClinVar) and in two individuals with unknown arrhythmia (PMID: 30847666). It has also been reported as a polymorphism in a LQT patient (PMID: 25633834). (I) 0905 - No published segregation evidence has been identified for this variant. (I) 1007 - No published functional evidence has been identified for this variant. (I) 1208 - Inheritance information for this variant is not currently available in this individual. (I) Legend: (SP) - Supporting pathogenic, (I) - Information, (SB) - Supporting benign

Center for Advanced Laboratory Medicine, UC San Diego Health, University of California San Diego
Classification: Uncertain significance for Polymorphic catecholergic ventricular tachycardia. Last evaluated: 2017-12-18. Review status: criteria provided, single submitter. Criteria: ACMG Guidelines, 2015. Collection method: clinical testing. Allele origin: germline. Affected: yes. Observed: 1 variant allele.

Eurofins Ntd Llc (ga)
Classification: Uncertain significance. Last evaluated: 2015-01-05. Review status: criteria provided, single submitter. Criteria: EGL Classification Definitions 2015. Collection method: clinical testing. Allele origin: germline. Observed: 1 variant allele, 1 heterozygote.

Literature cited by the submitters: PubMed 25633834 (cited by 3 submitters); PubMed 30847666 (cited by 3 submitters); PubMed 25260352 (cited by Victorian Clinical Genetics Services, Murdoch Childrens Research Institute).

NM_000719.7(CACNA1C):c.6116C>G (p.Ala2039Gly)

Genes: CACNA1C (calcium voltage-gated channel subunit alpha1 C; plus strand), CACNA1C-AS1 (CACNA1C antisense RNA 1; minus strand). Cytogenetic location: 12p13.33.
Variant type: single nucleotide variant.
Coding change: c.6116C>G on transcript NM_000719.7 (MANE Select); coding-DNA position 6116, C replaced by G.
Protein change: p.Ala2039Gly; replaces alanine 2039 with glycine.
Molecular consequence: missense variant.
Genome position (GRCh38, 1-based): chr12:2,688,778, C>G. VCF-style: chr12-2688778-C-G. GRCh37 (hg19) VCF-style: chr12-2797944-C-G.
Other names: c.6260C>G, p.Ala2087Gly (NM_001129827.2); c.6239C>G, p.Ala2080Gly (NM_001129829.2); c.6221C>G, p.Ala2074Gly (NM_001129830.3, NM_001167624.3); c.6200C>G, p.Ala2067Gly (NM_001129831.2); c.6176C>G, p.Ala2059Gly (NM_001129832.2); c.6173C>G, p.Ala2058Gly (NM_001129833.2, NM_001129834.2, NM_001129835.2); c.6167C>G, p.Ala2056Gly (NM_001129836.2); c.6140C>G, p.Ala2047Gly (NM_001129837.2, NM_001129838.2); and 6 more; short protein forms A2039G, A2074G, A2087G, A2036G, A2099G, A2045G, A2067G, A2028G.
Identifiers: ClinVar variation 197538 (VCV000197538.21), dbSNP rs549476254, ClinGen allele CA245758.